The following is an entry in ClinVar:

ClinVar aggregate classification (germline): Pathogenic (1 of 4 stars; one submission).

Conditions:
Autosomal recessive spastic paraplegia type 78. Identifiers: Orphanet 513436, MedGen C5567893, MONDO:0014975, OMIM 617225.
Kufor-Rakeb syndrome (KRS). Also called: PARKINSON DISEASE 9, AUTOSOMAL RECESSIVE, JUVENILE-ONSET. Identifiers: Orphanet 306674, Orphanet 314632, MedGen C1847640, MONDO:0011706, OMIM 606693.

gnomAD v4.1: 2 of 1,614,076 alleles (0.00012%); highest among the groups gnomAD compares: Non-Finnish European, 0.00017%; no homozygotes.

Submission:

Labcorp Genetics (formerly Invitae), Labcorp
Classification: Pathogenic for Kufor-Rakeb syndrome; Autosomal recessive spastic paraplegia type 78. Last evaluated: 2025-06-03. Review status: criteria provided, single submitter. Criteria: Invitae Variant Classification Sherloc (09022015). Collection method: clinical testing. Allele origin: germline.
Comment: This sequence change creates a premature translational stop signal (p.Cys864*) in the ATP13A2 gene. It is expected to result in an absent or disrupted protein product. Loss-of-function variants in ATP13A2 are known to be pathogenic (PMID: 16964263, 21696388). This variant is not present in population databases (gnomAD no frequency). This variant has not been reported in the literature in individuals affected with ATP13A2-related conditions. For these reasons, this variant has been classified as Pathogenic.

Literature cited by the submitters: PubMed 16964263; PubMed 21696388.

NM_022089.4(ATP13A2):c.2592C>A (p.Cys864Ter)

Gene: ATP13A2 (ATPase cation transporting 13A2; minus strand). Cytogenetic location: 1p36.13.
Variant type: single nucleotide variant.
Coding change: c.2592C>A on transcript NM_022089.4 (MANE Select); coding-DNA position 2592, C replaced by A.
Protein change: p.Cys864Ter; replaces cysteine 864 with a stop codon.
Molecular consequence: nonsense.
Genome position (GRCh38, 1-based): chr1:16,989,708, G>T on the plus strand (C>A on the coding strand, the complement: ATP13A2 is on the minus strand). VCF-style: chr1-16989708-G-T. GRCh37 (hg19) VCF-style: chr1-17316203-G-T.
Other names: c.2577C>A, p.Cys859Ter (NM_001141973.3); c.2460C>A, p.Cys820Ter (NM_001141974.3); short protein forms C820*, C859*, C864*.
Identifiers: ClinVar variation 4793674 (VCV004793674.1).